The following is an entry in ClinVar:

ClinVar aggregate classification (germline): Uncertain significance (1 of 4 stars; one submission).

Conditions:
COG1 congenital disorder of glycosylation (CDG2G). Also called: CDG IIg; CDGII/COG1 CEREBROCOSTOMANDIBULAR-LIKE SYNDROME; CONGENITAL DISORDER OF GLYCOSYLATION, TYPE IIg. Identifiers: Orphanet 263508, MedGen C2931011, MONDO:0012637, OMIM 611209.

Submission:

Labcorp Genetics (formerly Invitae), Labcorp
Classification: Uncertain significance for COG1 congenital disorder of glycosylation. Last evaluated: 2023-08-17. Review status: criteria provided, single submitter. Criteria: Invitae Variant Classification Sherloc (09022015). Collection method: clinical testing. Allele origin: germline.
Comment: In summary, the available evidence is currently insufficient to determine the role of this variant in disease. Therefore, it has been classified as a Variant of Uncertain Significance. This sequence change replaces serine, which is neutral and polar, with glycine, which is neutral and non-polar, at codon 591 of the COG1 protein (p.Ser591Gly). This variant is not present in population databases (gnomAD no frequency). This variant has not been reported in the literature in individuals affected with COG1-related conditions. ClinVar contains an entry for this variant (Variation ID: 1378368). Advanced modeling of protein sequence and biophysical properties (such as structural, functional, and spatial information, amino acid conservation, physicochemical variation, residue mobility, and thermodynamic stability) performed at Invitae indicates that this missense variant is not expected to disrupt COG1 protein function.

NM_018714.3(COG1):c.1771A>G (p.Ser591Gly)

Gene: COG1 (component of oligomeric golgi complex 1; plus strand). Cytogenetic location: 17q25.1.
Variant type: single nucleotide variant.
Coding change: c.1771A>G on transcript NM_018714.3 (MANE Select); coding-DNA position 1771, A replaced by G.
Protein change: p.Ser591Gly; replaces serine 591 with glycine.
Molecular consequence: missense variant.
Genome position (GRCh38, 1-based): chr17:73,201,598, A>G. VCF-style: chr17-73201598-A-G. GRCh37 (hg19) VCF-style: chr17-71197737-A-G.
Other names: short protein forms S591G.
Identifiers: ClinVar variation 1378368 (VCV001378368.6), dbSNP rs2145098272, ClinGen allele CA400892989.